The following is an entry in ClinVar:

NM_012452.3(TNFRSF13B):c.788C>T (p.Thr263Ile)

Gene: TNFRSF13B (TNF receptor superfamily member 13B; minus strand). Cytogenetic location: 17p11.2.
Variant type: single nucleotide variant.
Coding change: c.788C>T on transcript NM_012452.3 (MANE Select); coding-DNA position 788, C replaced by T.
Protein change: p.Thr263Ile; replaces threonine 263 with isoleucine.
Molecular consequence: missense variant.
Genome position (GRCh38, 1-based): chr17:16,939,641, G>A on the plus strand (C>T on the coding strand, the complement: TNFRSF13B is on the minus strand). VCF-style: chr17-16939641-G-A. GRCh37 (hg19) VCF-style: chr17-16842955-G-A.
Other names: short protein forms T263I.
Identifiers: ClinVar variation 1696714 (VCV001696714.1), dbSNP rs986325158, ClinGen allele CA288281889.

ClinVar aggregate classification (germline): Uncertain significance (1 of 4 stars; one submission).

Conditions:
Immunodeficiency, common variable, 2 (CVID2). Also called: ANTIBODY DEFICIENCY DUE TO TACI DEFECT; HYPOGAMMAGLOBULINEMIA DUE TO TACI DEFICIENCY. Identifiers: Orphanet 1572, MedGen C3150354, MONDO:0009413, OMIM 240500.

Allele frequency attached by ClinVar (database versions not stated): TOPMed below 0.00001.
gnomAD v4.1: 2 of 1,612,942 alleles (0.00012%); highest among the groups gnomAD compares: East Asian, 0.0045%; no homozygotes.

Submission:

New York Genome Center
Classification: Uncertain significance for Immunodeficiency, common variable, 2. Last evaluated: 2021-08-20. Review status: criteria provided, single submitter. Criteria: NYGC Assertion Criteria 2020. Collection method: clinical testing. Allele origin: inherited. Observed: 1 heterozygote. Study: CSER-NYCKidSeq.
Comment: The inherited c.788C>T (p.Thr263Ile) variant identified in the TNFRSF13B gene substitutes a Threonine for Isoleucine at amino acid 263/294 (exon 5/5). This variant is absent from gnomAD(v3.1.1) suggesting it is not a common benign variant in the populations represented in that database. In silico algorithms predict this variant to be Tolerated (SIFT; score:0.054) and Benign (REVEL; score:0.2759) to the function of the canonical transcript. This variant is absent from ClinVar and to our current knowledge has not been reported in affected individuals in the literature. The p.Thr263 residue is within cytoplasmic domain of TNFRSF13B (UniProtKB:O14836). Given the lack of compelling evidence for its pathogenicity, the inherited c.788C>T (p.Thr263Ile) variant identified in theTNFRSF13B gene is reported as a Variant of Uncertain Significance.